The following is an entry in ClinVar:

NM_000248.4(MITF):c.22A>T (p.Asn8Tyr)

Gene: MITF (melanocyte inducing transcription factor; plus strand). Cytogenetic location: 3p13.
Variant type: single nucleotide variant.
Coding change: c.22A>T on transcript NM_000248.4 (MANE Plus Clinical); coding-DNA position 22, A replaced by T.
Protein change: p.Asn8Tyr; replaces asparagine 8 with tyrosine.
Molecular consequence: missense variant. On other transcripts: intron variant (9).
Genome position (GRCh38, 1-based): chr3:69,936,744, A>T. VCF-style: chr3-69936744-A-T. GRCh37 (hg19) VCF-style: chr3-69985895-A-T.
Other names: c.22A>T, p.Asn8Tyr (NM_001184968.2, NM_198158.3, NM_198178.3); c.304-1078A>T (NM_001354607.2); c.199-1078A>T (NM_001354608.2, NM_001184967.2); c.355-1078A>T (NM_001354604.2, NM_198159.3); c.352-1078A>T (NM_001354605.2, NM_001354606.2, NM_006722.3); c.307-1078A>T (NM_198177.3); short protein forms N8Y.
Identifiers: ClinVar variation 4785887 (VCV004785887.1).

ClinVar aggregate classification (germline): Uncertain significance (1 of 4 stars; one submission).

Conditions:
Melanoma, cutaneous malignant, susceptibility to, 8. Also called: MELANOMA AND RENAL CELL CARCINOMA, SUSCEPTIBILITY TO; Cutaneous malignant melanoma 8. Identifiers: Orphanet 293822, MedGen C3152204, MONDO:0013759, OMIM 614456.
Tietz syndrome (TADS). Also called: TIETZ ALBINISM-DEAFNESS SYNDROME; ALBINISM-DEAFNESS OF TIETZ; HYPOPIGMENTATION/DEAFNESS OF TIETZ. Identifiers: Orphanet 42665, MedGen C0391816, MONDO:0007077, OMIM 103500.
Waardenburg syndrome type 2A (WS2A). Also called: WAARDENBURG SYNDROME WITHOUT DYSTOPIA CANTHORUM. Identifiers: Orphanet 3440, MedGen C1860339, MONDO:0008671, OMIM 193510.

Submission:

Labcorp Genetics (formerly Invitae), Labcorp
Classification: Uncertain significance for Melanoma, cutaneous malignant, susceptibility to, 8; Waardenburg syndrome type 2A; Tietz syndrome. Last evaluated: 2025-08-17. Review status: criteria provided, single submitter. Criteria: Invitae Variant Classification Sherloc (09022015). Collection method: clinical testing. Allele origin: germline.
Comment: This sequence change replaces asparagine, which is neutral and polar, with tyrosine, which is neutral and polar, at codon 8 of the MITF protein (p.Asn8Tyr). This variant is not present in population databases (gnomAD no frequency). This variant has not been reported in the literature in individuals affected with MITF-related conditions. An algorithm developed to predict the effect of missense changes on protein structure and function (PolyPhen-2) suggests that this variant is likely to be tolerated. In summary, the available evidence is currently insufficient to determine the role of this variant in disease. Therefore, it has been classified as a Variant of Uncertain Significance.